The following is an entry in ClinVar:

ClinVar aggregate classification (germline): Uncertain significance (1 of 4 stars; one submission).

Submission:

GeneDx
Classification: Uncertain significance. Last evaluated: 2024-11-05. Review status: criteria provided, single submitter. Criteria: GeneDx Variant Classification Process June 2021. Collection method: clinical testing. Allele origin: germline.
Comment: Not observed at significant frequency in large population cohorts (gnomAD); In silico analysis indicates that this missense variant does not alter protein structure/function; Has not been previously published as pathogenic or benign to our knowledge

NM_014305.4(TGDS):c.476C>G (p.Pro159Arg)

Gene: TGDS (TDP-glucose 4,6-dehydratase; minus strand). Cytogenetic location: 13q32.1.
Variant type: single nucleotide variant.
Coding change: c.476C>G on transcript NM_014305.4 (MANE Select); coding-DNA position 476, C replaced by G.
Protein change: p.Pro159Arg; replaces proline 159 with arginine.
Molecular consequence: missense variant. On other transcripts: non-coding transcript variant (2).
Genome position (GRCh38, 1-based): chr13:94,581,170, G>C on the plus strand (C>G on the coding strand, the complement: TGDS is on the minus strand). VCF-style: chr13-94581170-G-C. GRCh37 (hg19) VCF-style: chr13-95233424-G-C.
Other names: c.380C>G, p.Pro127Arg (NM_001304430.2); short protein forms P127R, P159R.
Identifiers: ClinVar variation 3362070 (VCV003362070.2).
Genomic context (GRCh38, chr13:94,581,170, plus strand): 5'-GACTGTACAAAACATTCAGCAGCTGCTTTAGATGATGCATAAGGATTTGTAGGTTGTTTG[G>C]GTGAAGATTCATCAAATTCCTATTTTTAAAAATATATATTTAAAAAAGTGTTATGCATAT-3'
Protein context (NP_055120.1, residues 149-169): SLDKEFDESS[Pro159Arg]KQPTNPYASS